The following is an entry in ClinVar:

NM_002382.5(MAX):c.266A>G (p.Lys89Arg)

Gene: MAX (MYC associated transcriptional regulator X; minus strand). Cytogenetic location: 14q23.3.
Variant type: single nucleotide variant.
Coding change: c.266A>G on transcript NM_002382.5 (MANE Select); coding-DNA position 266, A replaced by G.
Protein change: p.Lys89Arg; replaces lysine 89 with arginine.
Molecular consequence: missense variant. On other transcripts: 5 prime UTR variant (1), intron variant (2).
Genome position (GRCh38, 1-based): chr14:65,077,942, T>C on the plus strand (A>G on the coding strand, the complement: MAX is on the minus strand). VCF-style: chr14-65077942-T-C. GRCh37 (hg19) VCF-style: chr14-65544660-T-C.
Other names: c.-9A>G (NM_001320415.2, NM_001407105.1, NM_001407106.1 and 1 more transcripts); c.266A>G, p.Lys89Arg (NM_001407094.1, NM_001407096.1, NM_001407097.1 and 3 more transcripts); c.239A>G, p.Lys80Arg (NM_001407095.1, NM_001407099.1, NM_001407100.1 and 6 more transcripts); c.158A>G, p.Lys53Arg (NM_001407098.1); c.144+15766A>G (NM_001271069.2); c.171+15766A>G (NM_197957.4); c.-102A>G (NM_001407111.1, NM_001407112.1); short protein forms K80R, K89R, K53R.
Identifiers: ClinVar variation 1407706 (VCV001407706.8), dbSNP rs2063103739, ClinGen allele CA390035513.

ClinVar aggregate classification (germline): Uncertain significance. Review status: criteria provided, multiple submitters, no conflicts (2 of 4 stars). 2 submissions from 2 submitters: Uncertain significance (2). Last evaluated 2025-03-03.

Conditions:
Hereditary cancer-predisposing syndrome. Also called: Tumor predisposition; Hereditary Cancer Syndrome; Hereditary neoplastic syndrome; Neoplastic Syndromes, Hereditary. Identifiers: Orphanet 140162, MedGen C0027672, MeSH D009386, MONDO:0015356.
Hereditary pheochromocytoma and paraganglioma. Also called: Hereditary paragangliomas and pheochromocytomas; Hereditary Paraganglioma-Pheochromocytoma Syndromes; Hereditary pheochromocytoma-paraganglioma. Identifiers: Orphanet 29072, MedGen C4274332, MONDO:0017366.

gnomAD v4.1: 1 of 1,614,244 alleles (0.000062%); highest among the groups gnomAD compares: African/African-American, 0.0013%; no homozygotes.

Submissions (2):

Ambry Genetics
Classification: Uncertain significance for Hereditary cancer-predisposing syndrome. Last evaluated: 2025-03-03. Review status: criteria provided, single submitter. Criteria: Ambry Variant Classification Scheme 2023. Collection method: clinical testing. Allele origin: germline.
Comment: The p.K89R variant (also known as c.266A>G), located in coding exon 4 of the MAX gene, results from an A to G substitution at nucleotide position 266. The lysine at codon 89 is replaced by arginine, an amino acid with highly similar properties. This amino acid position is highly conserved in available vertebrate species. In addition, the in silico prediction for this alteration is inconclusive. Based on the available evidence, the clinical significance of this variant remains unclear.

Labcorp Genetics (formerly Invitae), Labcorp
Classification: Uncertain significance for Hereditary pheochromocytoma and paraganglioma. Last evaluated: 2021-12-17. Review status: criteria provided, single submitter. Criteria: Invitae Variant Classification Sherloc (09022015). Collection method: clinical testing. Allele origin: germline.
Comment: In summary, the available evidence is currently insufficient to determine the role of this variant in disease. Therefore, it has been classified as a Variant of Uncertain Significance. Algorithms developed to predict the effect of sequence changes on RNA splicing suggest that this variant may create or strengthen a splice site. Algorithms developed to predict the effect of missense changes on protein structure and function (SIFT, PolyPhen-2, Align-GVGD) all suggest that this variant is likely to be tolerated. This variant has not been reported in the literature in individuals affected with MAX-related conditions. This variant is not present in population databases (gnomAD no frequency). This sequence change replaces lysine, which is basic and polar, with arginine, which is basic and polar, at codon 89 of the MAX protein (p.Lys89Arg).